The following is an entry in ClinVar:

ClinVar aggregate classification (germline): Uncertain significance (1 of 4 stars; one submission).

Conditions:
Renal coloboma syndrome (PAPRS). Also called: PAPILLORENAL SYNDROME; COLOBOMA OF OPTIC NERVE WITH RENAL DISEASE; OPTIC COLOBOMA, VESICOURETERAL REFLUX, AND RENAL ANOMALIES; OPTIC NERVE COLOBOMA WITH RENAL DISEASE; RENAL-COLOBOMA SYNDROME WITH MACULAR ABNORMALITIES; PAPILLORENAL SYNDROME WITH MILD OCULAR ABNORMALITIES. Identifiers: Orphanet 1475, MedGen C1852759, MONDO:0007352, OMIM 120330.
Focal segmental glomerulosclerosis 7 (FSGS7). Identifiers: Orphanet 656, MedGen C4014925, MONDO:0014451, OMIM 616002.

Submission:

Labcorp Genetics (formerly Invitae), Labcorp
Classification: Uncertain significance for Renal coloboma syndrome; Focal segmental glomerulosclerosis 7. Last evaluated: 2024-11-13. Review status: criteria provided, single submitter. Criteria: Invitae Variant Classification Sherloc (09022015). Collection method: clinical testing. Allele origin: germline.
Comment: This sequence change replaces proline, which is neutral and non-polar, with serine, which is neutral and polar, at codon 290 of the PAX2 protein (p.Pro290Ser). This variant is not present in population databases (gnomAD no frequency). This variant has not been reported in the literature in individuals affected with PAX2-related conditions. Experimental studies and prediction algorithms are not available or were not evaluated, and the functional significance of this variant is currently unknown. In summary, the available evidence is currently insufficient to determine the role of this variant in disease. Therefore, it has been classified as a Variant of Uncertain Significance.

NM_000278.5(PAX2):c.868C>T (p.Pro290Ser)

Gene: PAX2 (paired box 2; plus strand). Cytogenetic location: 10q24.31.
Variant type: single nucleotide variant.
Coding change: c.868C>T on transcript NM_000278.5 (MANE Select); coding-DNA position 868, C replaced by T.
Protein change: p.Pro290Ser; replaces proline 290 with serine.
Molecular consequence: missense variant.
Genome position (GRCh38, 1-based): chr10:100,809,185, C>T. VCF-style: chr10-100809185-C-T. GRCh37 (hg19) VCF-style: chr10-102568942-C-T.
Other names: c.937C>T, p.Pro313Ser (NM_003990.5, NM_003987.5); c.961C>T, p.Pro321Ser (NM_001304569.2); c.868C>T, p.Pro290Ser (NM_003988.5, NM_003989.5); short protein forms P290S, P313S, P321S.
Identifiers: ClinVar variation 3751056 (VCV003751056.2).